The following is an entry in ClinVar:

ClinVar aggregate classification (germline): Pathogenic (1 of 4 stars; one submission).

Submission:

Labcorp Genetics (formerly Invitae), Labcorp
Classification: Pathogenic. Last evaluated: 2023-11-06. Review status: criteria provided, single submitter. Criteria: Invitae Variant Classification Sherloc (09022015). Collection method: clinical testing. Allele origin: germline.
Comment: This sequence change creates a premature translational stop signal (p.Ala3489Valfs*2) in the USH2A gene. It is expected to result in an absent or disrupted protein product. Loss-of-function variants in USH2A are known to be pathogenic (PMID: 10729113, 10909849, 20507924, 25649381). This variant is not present in population databases (gnomAD no frequency). This variant has not been reported in the literature in individuals affected with USH2A-related conditions. For these reasons, this variant has been classified as Pathogenic.

Literature cited by the submitters: PubMed 10729113; PubMed 10909849; PubMed 20507924; PubMed 25649381.

NM_206933.4(USH2A):c.10466del (p.Ala3489fs)

Gene: USH2A (usherin; minus strand). Cytogenetic location: 1q41.
Variant type: Deletion.
Coding change: c.10466del on transcript NM_206933.4 (MANE Select); coding-DNA position 10466, one base deleted (C; older notation c.10466delC).
Protein change: p.Ala3489fs; shifts the reading frame from alanine 3489.
Molecular consequence: frameshift variant.
Genome position (GRCh38, 1-based): chr1:215,782,857, G deleted on the plus strand (C on the coding strand, the reverse complement: USH2A is on the minus strand). VCF-style (leftmost placement, unchanged base first): chr1-215782856-AG-A. GRCh37 (hg19) VCF-style: chr1-215956198-AG-A.
Other names: short protein forms A3489fs.
Identifiers: ClinVar variation 2819881 (VCV002819881.3), dbSNP rs2464394589, ClinGen allele CA2739275688.